The following is an entry in ClinVar:

NM_000368.5(TSC1):c.2496C>G (p.Ser832=)

Gene: TSC1 (TSC complex subunit 1; minus strand). Cytogenetic location: 9q34.13.
Variant type: single nucleotide variant.
Coding change: c.2496C>G on transcript NM_000368.5 (MANE Select); coding-DNA position 2496, C replaced by G.
Protein change: p.Ser832=; no amino-acid change (serine 832 retained).
Molecular consequence: synonymous variant.
Genome position (GRCh38, 1-based): chr9:132,901,595, G>C on the plus strand (C>G on the coding strand, the complement: TSC1 is on the minus strand). VCF-style: chr9-132901595-G-C. GRCh37 (hg19) VCF-style: chr9-135776982-G-C.
Other names: c.2493C>G, p.Ser831= (NM_001162426.2); c.2343C>G, p.Ser781= (NM_001162427.2); c.2133C>G, p.Ser711= (NM_001362177.2).
Identifiers: ClinVar variation 821361 (VCV000821361.5), dbSNP rs1588298915, ClinGen allele CA467590426.

ClinVar aggregate classification (germline): Benign/Likely benign. Review status: criteria provided, multiple submitters, no conflicts (2 of 4 stars). 2 submissions from 2 submitters: Benign (1); Likely benign (1). Last evaluated 2025-04-25.

Conditions:
Tuberous sclerosis 1 (TSC1). Identifiers: Orphanet 805, MedGen C1854465, MONDO:0008612, OMIM 191100.
Hereditary cancer-predisposing syndrome. Also called: Hereditary Cancer Syndrome; Neoplastic Syndromes, Hereditary; Hereditary neoplastic syndrome; Tumor predisposition. Identifiers: Orphanet 140162, MedGen C0027672, MeSH D009386, MONDO:0015356.

Submissions (2):

Myriad Genetics, Inc.
Classification: Benign for Tuberous sclerosis 1. Last evaluated: 2025-04-25. Review status: criteria provided, single submitter. Criteria: Myriad Autosomal Dominant, Autosomal Recessive and X-Linked Classification Criteria (2023). Collection method: clinical testing. Allele origin: unknown.
Comment: This variant is considered benign. This variant is a silent/synonymous amino acid change and it is not expected to impact splicing.

Ambry Genetics
Classification: Likely benign for Hereditary cancer-predisposing syndrome. Last evaluated: 2019-10-29. Review status: criteria provided, single submitter. Criteria: Ambry Variant Classification Scheme 2023. Collection method: clinical testing. Allele origin: germline.